The following is an entry in ClinVar:

ClinVar aggregate classification (germline): Benign. Review status: criteria provided, multiple submitters, no conflicts (2 of 4 stars). 4 submissions from 4 submitters: Benign (3). 1 of the submissions does not count toward it. Last evaluated 2024-09-16.

Conditions:
GPT2-related disorder. Also called: GPT2-related condition.

Allele frequency attached by ClinVar (database versions not stated): 1000 Genomes Project 30x 0.00671; TOPMed 0.00334; 1000 Genomes Project 0.00579.

Submissions (4):

Mayo Clinic Laboratories, Mayo Clinic
Classification: Benign. Last evaluated: 2024-09-16. Review status: criteria provided, single submitter. Criteria: ACMG Guidelines, 2015. Collection method: clinical testing. Allele origin: germline. Observed: 8 variant alleles.

Labcorp Genetics (formerly Invitae), Labcorp
Classification: Benign. Last evaluated: 2019-12-31. Review status: criteria provided, single submitter. Criteria: Invitae Variant Classification Sherloc (09022015). Collection method: clinical testing. Allele origin: germline.

Breakthrough Genomics
Classification: Benign. Review status: criteria provided, single submitter. Criteria: ACMG Guidelines, 2015. Collection method: not provided. Allele origin: germline. Inheritance: Autosomal recessive inheritance. Affected: yes.

PreventionGenetics, part of Exact Sciences
Classification: Benign for GPT2-related condition. Last evaluated: 2020-01-22. Review status: no assertion criteria provided. Collection method: clinical testing. Allele origin: germline. Not counted in ClinVar's aggregate classification.
Comment: This variant is classified as benign based on ACMG/AMP sequence variant interpretation guidelines (Richards et al. 2015 PMID: 25741868, with internal and published modifications).

NM_133443.4(GPT2):c.1176G>C (p.Pro392=)

Gene: GPT2 (glutamic--pyruvic transaminase 2; plus strand). Cytogenetic location: 16q11.2.
Variant type: single nucleotide variant.
Coding change: c.1176G>C on transcript NM_133443.4 (MANE Select); coding-DNA position 1176, G replaced by C.
Protein change: p.Pro392=; no amino-acid change (proline 392 retained).
Molecular consequence: synonymous variant.
Genome position (GRCh38, 1-based): chr16:46,922,380, G>C. VCF-style: chr16-46922380-G-C. GRCh37 (hg19) VCF-style: chr16-46956292-G-C.
Other names: p.Pro392=; c.876G>C, p.Pro292= (NM_001142466.3).
Identifiers: ClinVar variation 778503 (VCV000778503.8), dbSNP rs35148330, ClinGen allele CA8038805.